The following is an entry in ClinVar:

ClinVar aggregate classification (germline): Uncertain significance (1 of 4 stars; one submission).

Conditions:
Isolated microphthalmia 5. Also called: Posterior Microphthalmia with Retinitis Pigmentosa, Foveoschisis, and Optic Disc Drusen. Identifiers: Orphanet 251279, MedGen C1970236, MONDO:0012605, OMIM 611040.

gnomAD v4.1: 1 of 1,613,220 alleles (0.000062%); highest among the groups gnomAD compares: Non-Finnish European, 0.000085%; no homozygotes.

Submission:

Labcorp Genetics (formerly Invitae), Labcorp
Classification: Uncertain significance for Isolated microphthalmia 5. Last evaluated: 2022-08-10. Review status: criteria provided, single submitter. Criteria: Invitae Variant Classification Sherloc (09022015). Collection method: clinical testing. Allele origin: germline.
Comment: This variant has not been reported in the literature in individuals affected with MFRP-related conditions. In summary, the available evidence is currently insufficient to determine the role of this variant in disease. Therefore, it has been classified as a Variant of Uncertain Significance. Algorithms developed to predict the effect of missense changes on protein structure and function (SIFT, PolyPhen-2, Align-GVGD) all suggest that this variant is likely to be tolerated. ClinVar contains an entry for this variant (Variation ID: 1019829). This variant is not present in population databases (gnomAD no frequency). This sequence change replaces proline, which is neutral and non-polar, with threonine, which is neutral and polar, at codon 461 of the MFRP protein (p.Pro461Thr).

NM_031433.4(MFRP):c.1381C>A (p.Pro461Thr)

Genes: C1QTNF5 (C1q and TNF related 5; minus strand), MFRP (membrane frizzled-related protein; minus strand). Cytogenetic location: 11q23.3.
Variant type: single nucleotide variant.
Coding change: c.1381C>A on transcript NM_031433.4 (MANE Select); coding-DNA position 1381, C replaced by A.
Protein change: p.Pro461Thr; replaces proline 461 with threonine.
Molecular consequence: missense variant. On other transcripts: 5 prime UTR variant (1).
Genome position (GRCh38, 1-based): chr11:119,342,602, G>T on the plus strand (C>A on the coding strand, the complement: MFRP is on the minus strand). VCF-style: chr11-119342602-G-T. GRCh37 (hg19) VCF-style: chr11-119213312-G-T.
Other names: c.-1256C>A (NM_015645.5); short protein forms P461T.
Identifiers: ClinVar variation 1019829 (VCV001019829.9), dbSNP rs1950513569, ClinGen allele CA382972992.